The following is an entry in ClinVar:

NM_001876.4(CPT1A):c.116G>C (p.Trp39Ser)

Gene: CPT1A (carnitine palmitoyltransferase 1A; minus strand). Cytogenetic location: 11q13.3.
Variant type: single nucleotide variant.
Coding change: c.116G>C on transcript NM_001876.4 (MANE Select); coding-DNA position 116, G replaced by C.
Protein change: p.Trp39Ser; replaces tryptophan 39 with serine.
Molecular consequence: missense variant.
Genome position (GRCh38, 1-based): chr11:68,815,359, C>G on the plus strand (G>C on the coding strand, the complement: CPT1A is on the minus strand). VCF-style: chr11-68815359-C-G. GRCh37 (hg19) VCF-style: chr11-68582827-C-G.
Other names: c.116G>C, p.Trp39Ser (NM_001031847.3); c.116G>C (NM_001876.3); short protein forms W39S.
Identifiers: ClinVar variation 1036168 (VCV001036168.13), dbSNP rs766209790, ClinGen allele CA6152789.
Genomic context (GRCh38, chr11:68,815,359, plus strand): 5'-GCATACTGTGTAGATTTCAACAAATCTCAGAAAACCTTGAATCTGATGAACTTCTTTTTC[C>G]AGGAATGAAGTCCAGAGAGATAGATTTGTCTAAGAGCTTCATGGCTCAGCCGCAGGTCAA-3'
Protein context (NP_001867.2, residues 29-49): RQIYLSGLHS[Trp39Ser]KKKFIRFKNG

ClinVar aggregate classification (germline): Uncertain significance. Review status: criteria provided, multiple submitters, no conflicts (2 of 4 stars). 4 submissions from 4 submitters: Uncertain significance (3). 1 of the submissions does not count toward it. Last evaluated 2025-03-03.

Conditions:
Inborn genetic diseases. Identifiers: MedGen C0950123, MeSH D030342.
Carnitine palmitoyl transferase 1A deficiency. Also called: Carnitine palmitoyltransferase type I deficiency; CPT I DEFICIENCY; CPT DEFICIENCY, HEPATIC, TYPE I; Carnitine palmitoyltransferase 1A deficiency; CPT deficiency, hepatic, type IA. Identifiers: Orphanet 156, MedGen C1829703, MONDO:0009705, OMIM 255120.

Allele frequency attached by ClinVar (database versions not stated): gnomAD exomes below 0.00001 and 0.00001; ExAC 0.00001; gnomAD 0.00001; TOPMed 0.00001.
gnomAD v4.1: 5 of 1,613,968 alleles (0.00031%); highest among the groups gnomAD compares: Admixed American, 0.0017%; no homozygotes.

Submissions (4):

Ambry Genetics
Classification: Uncertain significance for Inborn genetic diseases. Last evaluated: 2025-03-03. Review status: criteria provided, single submitter. Criteria: Ambry Variant Classification Scheme 2023. Collection method: clinical testing. Allele origin: germline.

Labcorp Genetics (formerly Invitae), Labcorp
Classification: Uncertain significance for Carnitine palmitoyl transferase 1A deficiency. Last evaluated: 2024-12-02. Review status: criteria provided, single submitter. Criteria: Invitae Variant Classification Sherloc (09022015). Collection method: clinical testing. Allele origin: germline.
Comment: This sequence change replaces tryptophan, which is neutral and slightly polar, with serine, which is neutral and polar, at codon 39 of the CPT1A protein (p.Trp39Ser). This variant is present in population databases (rs766209790, gnomAD 0.003%). This variant has not been reported in the literature in individuals affected with CPT1A-related conditions. ClinVar contains an entry for this variant (Variation ID: 1036168). Invitae Evidence Modeling of protein sequence and biophysical properties (such as structural, functional, and spatial information, amino acid conservation, physicochemical variation, residue mobility, and thermodynamic stability) has been performed for this missense variant. However, the output from this modeling did not meet the statistical confidence thresholds required to predict the impact of this variant on CPT1A protein function. In summary, the available evidence is currently insufficient to determine the role of this variant in disease. Therefore, it has been classified as a Variant of Uncertain Significance.

Fulgent Genetics
Classification: Uncertain significance for Carnitine palmitoyl transferase 1A deficiency. Last evaluated: 2021-10-22. Review status: criteria provided, single submitter. Criteria: ACMG Guidelines, 2015. Collection method: clinical testing. Allele origin: unknown.

Natera, Inc.
Classification: Uncertain significance for Carnitine palmitoyltransferase type I deficiency. Last evaluated: 2020-10-15. Review status: no assertion criteria provided. Collection method: clinical testing. Allele origin: germline. Not counted in ClinVar's aggregate classification.